The following is an entry in ClinVar:

ClinVar aggregate classification (germline): Likely benign. Review status: criteria provided, multiple submitters, no conflicts (2 of 4 stars). 2 submissions from 2 submitters: Likely benign (2). Last evaluated 2023-06-08.

Conditions:
Malignant hyperthermia, susceptibility to, 5 (MHS5). Also called: CACNA1S-Related Malignant Hyperthermia Susceptibility. Identifiers: Orphanet 423, MedGen C1866077, MONDO:0011163, OMIM 601887.

Allele frequency attached by ClinVar (database versions not stated): gnomAD 0.00001.
gnomAD v4.1: 1 of 1,560,294 alleles (0.000064%); highest among the groups gnomAD compares: African/African-American, 0.0013%; no homozygotes.

Submissions (2):

All of Us Research Program, National Institutes of Health
Classification: Likely benign for Malignant hyperthermia, susceptibility to, 5. Last evaluated: 2023-06-08. Review status: criteria provided, single submitter. Criteria: ACMG Guidelines, 2015. Collection method: clinical testing. Allele origin: germline. Inheritance: Autosomal dominant inheritance. Observed: 1 variant allele, 1 heterozygote.
Comment: This study involves interpretation of variants in research participants for the purpose of population health screening. Participant phenotype was not available at the time of variant classification. Additional details can be found in publication PMID: 35346344, PMCID: PMC8962531

Color Diagnostics, LLC DBA Color Health
Classification: Likely benign for Malignant hyperthermia, susceptibility to, 5. Last evaluated: 2023-05-17. Review status: criteria provided, single submitter. Criteria: ACMG Guidelines, 2015. Collection method: clinical testing. Allele origin: germline.

NM_000069.3(CACNA1S):c.2382C>T (p.Arg794=)

Gene: CACNA1S (calcium voltage-gated channel subunit alpha1 S; minus strand). Cytogenetic location: 1q32.1.
Variant type: single nucleotide variant.
Coding change: c.2382C>T on transcript NM_000069.3 (MANE Select); coding-DNA position 2382, C replaced by T.
Protein change: p.Arg794=; no amino-acid change (arginine 794 retained).
Molecular consequence: synonymous variant.
Genome position (GRCh38, 1-based): chr1:201,069,580, G>A on the plus strand (C>T on the coding strand, the complement: CACNA1S is on the minus strand). VCF-style: chr1-201069580-G-A. GRCh37 (hg19) VCF-style: chr1-201038708-G-A.
Identifiers: ClinVar variation 3071518 (VCV003071518.2), dbSNP rs2102131408, ClinGen allele CA422687936.